The following is an entry in ClinVar:

ClinVar aggregate classification (germline): Uncertain significance. Review status: criteria provided, multiple submitters, no conflicts (2 of 4 stars). 2 submissions from 2 submitters: Uncertain significance (2). Last evaluated 2022-09-07.

Conditions:
Inborn genetic diseases. Identifiers: MedGen C0950123, MeSH D030342.
Microcephaly, growth deficiency, seizures, and brain malformations. Identifiers: MedGen C5193042, MONDO:0032690, OMIM 618346.

Submissions (2):

Ambry Genetics
Classification: Uncertain significance for Inborn genetic diseases. Last evaluated: 2022-09-07. Review status: criteria provided, single submitter. Criteria: Ambry Variant Classification Scheme 2023. Collection method: clinical testing. Allele origin: germline.

Victorian Clinical Genetics Services, Murdoch Childrens Research Institute
Classification: Uncertain significance for Microcephaly, growth deficiency, seizures, and brain malformations. Last evaluated: 2019-08-28. Review status: criteria provided, single submitter. Criteria: ACMG Guidelines, 2015. Collection method: clinical testing. Allele origin: germline. Inheritance: Autosomal recessive inheritance.
Comment: A heterozygous missense variant was identified, NM_033661.4(WDR4):c.38C>T in exon 1 of 12 of the WDR4 gene (NB: This variant is non-coding in alternative transcripts). This substitution is predicted to create a moderate amino acid change from threonine to methionine at position 13 of the protein, NP_387510.1(WDR4):p.(Thr13Met). The threonine at this position has low conservation (100 vertebrates, UCSC), but is not situated in a known functional domain. In silico software predicts this variant to be benign (Polyphen, SIFT, CADD, Mutation Taster). The variant is not present in the gnomAD population database and has not been previously reported in clinical cases. Based on information available at the time of curation, this variant has been classified as a VARIANT of UNCERTAIN SIGNIFICANCE (VUS) ) with LOW CLINICAL RELEVANCE.

NM_018669.6(WDR4):c.38C>T (p.Thr13Met)

Gene: WDR4 (WDR4 tRNA N7-guanosine methyltransferase non-catalytic subunit; minus strand). Cytogenetic location: 21q22.3.
Variant type: single nucleotide variant.
Coding change: c.38C>T on transcript NM_018669.6 (MANE Select); coding-DNA position 38, C replaced by T.
Protein change: p.Thr13Met; replaces threonine 13 with methionine.
Molecular consequence: missense variant. On other transcripts: 5 prime UTR variant (2), intron variant (1).
Genome position (GRCh38, 1-based): chr21:42,879,458, G>A on the plus strand (C>T on the coding strand, the complement: WDR4 is on the minus strand). VCF-style: chr21-42879458-G-A. GRCh37 (hg19) VCF-style: chr21-44299568-G-A.
Other names: c.38C>T, p.Thr13Met (NM_001260474.2, NM_033661.5); c.-349C>T (NM_001260475.2); c.-764C>T (NM_001260477.2); c.-298+55C>T (NM_001260476.2); c.38C>T (NM_018669.4); short protein forms T13M.
Identifiers: ClinVar variation 1805519 (VCV001805519.4), dbSNP rs2517103660, ClinGen allele CA410384707.
Genomic context (GRCh38, chr21:42,879,458, plus strand): 5'-CCCCCTCACCTGCTTGCTATGGAGGTGGCCAGGAATCGGCTGCCGCCCCGCACCACCAAC[G>A]TCTGCCCGCACAACGCCAGTCCCACAGAGCCCGCCATGTACCCGCCCGCCTCACCGCCAT-3'
Protein context (NP_061139.2, residues 3-23): GSVGLALCGQ[Thr13Met]LVVRGGSRFL